The following is an entry in ClinVar:

ClinVar aggregate classification (germline): Uncertain significance (1 of 4 stars; one submission).

Conditions:
Spinocerebellar ataxia, autosomal recessive, with axonal neuropathy 2 (SCAN2). Also called: ATAXIA-OCULOMOTOR APRAXIA 2; Ataxia with Oculomotor Apraxia Type 2; Ataxia-ocular apraxia-2; Ataxia with Oculomotor Apraxia. Identifiers: Orphanet 64753, MedGen C1853761, MONDO:0018996, OMIM 606002.
Amyotrophic lateral sclerosis type 4 (ALS4). Also called: AMYOTROPHIC LATERAL SCLEROSIS 4, JUVENILE; NEURONOPATHY, DISTAL HEREDITARY MOTOR, WITH PYRAMIDAL FEATURES. Identifiers: Orphanet 357043, MedGen C1865409, MONDO:0011223, OMIM 602433.

Allele frequency attached by ClinVar (database versions not stated): gnomAD exomes below 0.00001.
gnomAD v4.1: 1 of 1,607,018 alleles (0.000062%); highest among the groups gnomAD compares: Non-Finnish European, 0.000085%; no homozygotes.

Submission:

Labcorp Genetics (formerly Invitae), Labcorp
Classification: Uncertain significance for Amyotrophic lateral sclerosis type 4; Spinocerebellar ataxia, autosomal recessive, with axonal neuropathy 2. Last evaluated: 2020-09-21. Review status: criteria provided, single submitter. Criteria: Invitae Variant Classification Sherloc (09022015). Collection method: clinical testing. Allele origin: germline.
Comment: In summary, the available evidence is currently insufficient to determine the role of this variant in disease. Therefore, it has been classified as a Variant of Uncertain Significance. Nucleotide substitutions within the consensus splice site are a relatively common cause of aberrant splicing (PMID: 17576681, 9536098). Algorithms developed to predict the effect of sequence changes on RNA splicing suggest that this variant may disrupt the consensus splice site, but this prediction has not been confirmed by published transcriptional studies. This variant has not been reported in the literature in individuals with SETX-related conditions. This variant is not present in population databases (ExAC no frequency). This sequence change falls in intron 20 of the SETX gene. It does not directly change the encoded amino acid sequence of the SETX protein, but it affects a nucleotide within the consensus splice site of the intron.

Literature cited by the submitters: PubMed 17576681; PubMed 9536098.

NM_015046.7(SETX):c.6654+5G>A

Gene: SETX (senataxin; minus strand). Cytogenetic location: 9q34.13.
Variant type: single nucleotide variant.
Coding change: c.6654+5G>A on transcript NM_015046.7 (MANE Select); 5 bases into the intron after coding-DNA position 6654, G replaced by A.
Molecular consequence: intron variant.
Genome position (GRCh38, 1-based): chr9:132,281,462, C>T on the plus strand (G>A on the coding strand, the complement: SETX is on the minus strand). VCF-style: chr9-132281462-C-T. GRCh37 (hg19) VCF-style: chr9-135156849-C-T.
Other names: c.6654+5G>A (NM_001351528.2, NM_001351527.2).
Identifiers: ClinVar variation 1053152 (VCV001053152.7), dbSNP rs1843497922, ClinGen allele CA1882127681.